The following is an entry in ClinVar:

NM_001267550.2(TTN):c.44560G>T (p.Glu14854Ter)

Gene: TTN (titin; minus strand). Cytogenetic location: 2q31.2.
Variant type: single nucleotide variant.
Coding change: c.44560G>T on transcript NM_001267550.2 (MANE Select); coding-DNA position 44560, G replaced by T.
Protein change: p.Glu14854Ter; replaces glutamic acid 14854 with a stop codon.
Molecular consequence: nonsense.
Genome position (GRCh38, 1-based): chr2:178,624,720, C>A on the plus strand (G>T on the coding strand, the complement: TTN is on the minus strand). VCF-style: chr2-178624720-C-A. GRCh37 (hg19) VCF-style: chr2-179489447-C-A.
Other names: c.39637G>T, p.Glu13213Ter (NM_001256850.1); c.17365G>T, p.Glu5789Ter (NM_003319.4); c.36856G>T, p.Glu12286Ter (NM_133378.4); c.17740G>T, p.Glu5914Ter (NM_133432.3); c.17941G>T, p.Glu5981Ter (NM_133437.4); short protein forms E13213*, E5789*, E12286*, E5914*, E5981*, E14854*.
Identifiers: ClinVar variation 3812203 (VCV003812203.1).
Genomic context (GRCh38, chr2:178,624,720, plus strand): 5'-ACTCCAGCACTGCAGTGGCTCCCTCTTCGACCGTCTGGTCCTCAAGAGGCTTAGTGAATT[C>A]AACTGGGGGTTCTGAAAGAATCATACTCATTAGCCAAGGTACTCCTTTCCTTCTCCAAGA-3'

ClinVar aggregate classification (germline): Uncertain significance (1 of 4 stars; one submission).

Conditions:
Cardiovascular phenotype. Identifiers: MedGen CN230736.

Submission:

Ambry Genetics
Classification: Uncertain significance for Cardiovascular phenotype. Last evaluated: 2024-12-24. Review status: criteria provided, single submitter. Criteria: Ambry Variant Classification Scheme 2023. Collection method: clinical testing. Allele origin: germline.
Comment: The p.E5789* variant (also known as c.17365G>T), located in coding exon 69 of the TTN gene, results from a G to T substitution at nucleotide position 17365. This changes the amino acid from a glutamic acid to a stop codon within coding exon 69. This exon is located in the I-band region of the N2-B isoform of the titin protein and is not constitutively expressed in TTN transcripts (percent spliced in or PSI 59%). This alteration is expected to result in loss of function by premature protein truncation or nonsense-mediated mRNA decay. Truncating variants in the A-band of titin are the most common cause of dilated cardiomyopathy (DCM), and, regardless of their position, truncating variants encoded in constitutive exons (PSI >90%) have been found to be significantly associated with DCM (Herman DS et al. N. Engl. J. Med., 2012 Feb;366:619-28; Roberts AM et al. Sci Transl Med, 2015 Jan;7:270ra6; Schafer S et al. Nat. Genet., 2017 01;49:46-53). However, TTN truncating variants have also been reported in 1-3% of the general population (Herman DS et al. N. Engl. J. Med. 2012;366:619-28). Based on the available evidence, the clinical significance of this variant remains unclear.